The following is an entry in ClinVar:

ClinVar aggregate classification (germline): Uncertain significance. Review status: criteria provided, multiple submitters, no conflicts (2 of 4 stars). 2 submissions from 2 submitters: Uncertain significance (2). Last evaluated 2026-06-29.

Conditions:
Cardiovascular phenotype. Identifiers: MedGen CN230736.
Hypertrophic cardiomyopathy 12. Identifiers: MedGen C2677491, MONDO:0012804, OMIM 612124.
Dilated cardiomyopathy 1M (CMD1M). Identifiers: Orphanet 154, MedGen C1843808, MONDO:0011840, OMIM 607482.

Allele frequency attached by ClinVar (database versions not stated): gnomAD exomes below 0.00001; ExAC 0.00001.

Submissions (2):

Ambry Genetics
Classification: Uncertain significance for Cardiovascular phenotype. Last evaluated: 2026-06-29. Review status: criteria provided, single submitter. Criteria: Ambry Variant Classification Scheme 2023. Collection method: clinical testing. Allele origin: germline.

Labcorp Genetics (formerly Invitae), Labcorp
Classification: Uncertain significance for Hypertrophic cardiomyopathy 12; Dilated cardiomyopathy 1M. Last evaluated: 2025-06-15. Review status: criteria provided, single submitter. Criteria: Invitae Variant Classification Sherloc (09022015). Collection method: clinical testing. Allele origin: germline.
Comment: This sequence change replaces leucine, which is neutral and non-polar, with proline, which is neutral and non-polar, at codon 90 of the CSRP3 protein (p.Leu90Pro). This variant is present in population databases (rs760832923, gnomAD 0.0009%). This variant has not been reported in the literature in individuals affected with CSRP3-related conditions. ClinVar contains an entry for this variant (Variation ID: 239541). An algorithm developed to predict the effect of missense changes on protein structure and function (PolyPhen-2) suggests that this variant is likely to be tolerated. In summary, the available evidence is currently insufficient to determine the role of this variant in disease. Therefore, it has been classified as a Variant of Uncertain Significance.

NM_003476.5(CSRP3):c.269T>C (p.Leu90Pro)

Gene: CSRP3 (cysteine and glycine rich protein 3; minus strand). Cytogenetic location: 11p15.1.
Variant type: single nucleotide variant.
Coding change: c.269T>C on transcript NM_003476.5 (MANE Select); coding-DNA position 269, T replaced by C.
Protein change: p.Leu90Pro; replaces leucine 90 with proline.
Molecular consequence: missense variant. On other transcripts: intron variant (1).
Genome position (GRCh38, 1-based): chr11:19,188,148, A>G on the plus strand (T>C on the coding strand, the complement: CSRP3 is on the minus strand). VCF-style: chr11-19188148-A-G. GRCh37 (hg19) VCF-style: chr11-19209695-A-G.
Other names: c.113-1800T>C (NM_001369404.1); c.269T>C (NM_003476.3); short protein forms L90P.
Identifiers: ClinVar variation 239541 (VCV000239541.8), dbSNP rs760832923, ClinGen allele CA5916601.
Genomic context (GRCh38, chr11:19,188,148, plus strand): 5'-GATAATTGGAGACTTTAACAGGCAAGGGGGAGCAGGGCAGTAACTCACTGTTGGAACTGC[A>G]GGCCGAGATGCTCGCCCGTGTCTGTGCTGAGACAGCCAGCGCCTTGTCCATACCCGATCC-3'
Protein context (NP_003467.1, residues 80-100): LSTDTGEHLG[Leu90Pro]QFQQSPKPAR